The following is an entry in ClinVar:

NM_007363.5(NONO):c.359C>T (p.Thr120Ile)

Gene: NONO (non-POU domain containing octamer binding; plus strand). Cytogenetic location: Xq13.1.
Variant type: single nucleotide variant.
Coding change: c.359C>T on transcript NM_007363.5 (MANE Select); coding-DNA position 359, C replaced by T.
Protein change: p.Thr120Ile; replaces threonine 120 with isoleucine.
Molecular consequence: missense variant.
Genome position (GRCh38, 1-based): chrX:71,294,237, C>T. VCF-style: chrX-71294237-C-T. GRCh37 (hg19) VCF-style: chrX-70514087-C-T.
Other names: c.359C>T, p.Thr120Ile (NM_001145408.2, NM_001145409.2); c.92C>T, p.Thr31Ile (NM_001145410.2); short protein forms T120I, T31I.
Identifiers: ClinVar variation 4887646 (VCV004887646.1).

ClinVar aggregate classification (germline): Uncertain significance (1 of 4 stars; one submission).

Submission:

Women's Health and Genetics/Laboratory Corporation of America, LabCorp
Classification: Uncertain significance. Last evaluated: 2026-06-26. Review status: criteria provided, single submitter. Criteria: LabCorp Variant Classification Summary - May 2015. Collection method: clinical testing. Allele origin: germline.
Comment: Variant summary: NONO c.359C>T (p.Thr120Ile) results in a non-conservative amino acid change in the encoded protein sequence. Algorithms developed to predict the effect of missense changes on protein structure and function are either unavailable or do not agree on the potential impact of this missense change. The variant was absent in 182125 control chromosomes. The available data on variant occurrences in the general population are insufficient to allow any conclusion about variant significance. To our knowledge, no occurrence of c.359C>T in individuals affected with NONO-related conditions and no experimental evidence demonstrating its impact on protein function have been reported. No submitters have cited clinical-significance assessments for this variant to ClinVar. Based on the evidence outlined above, the variant was classified as uncertain significance.